The following is an entry in ClinVar:

NM_001408.3(CELSR2):c.3196C>T (p.Arg1066Trp)

Genes: CELSR2 (cadherin EGF LAG seven-pass G-type receptor 2; plus strand), LOC110121283 (VISTA enhancer hs2216; plus strand). Cytogenetic location: 1p13.3.
Variant type: single nucleotide variant.
Coding change: c.3196C>T on transcript NM_001408.3 (MANE Select); coding-DNA position 3196, C replaced by T.
Protein change: p.Arg1066Trp; replaces arginine 1066 with tryptophan.
Molecular consequence: missense variant.
Genome position (GRCh38, 1-based): chr1:109,253,275, C>T. VCF-style: chr1-109253275-C-T. GRCh37 (hg19) VCF-style: chr1-109795897-C-T.
Other names: short protein forms R1066W.
Identifiers: ClinVar variation 3014978 (VCV003014978.3), dbSNP rs566212338, ClinGen allele CA986879.

ClinVar aggregate classification (germline): Uncertain significance (1 of 4 stars; one submission).

Allele frequency attached by ClinVar (database versions not stated): TOPMed 0.00003; gnomAD 0.00005; ExAC 0.00008; 1000 Genomes Project 30x 0.00016; 1000 Genomes Project 0.00020.
gnomAD v4.1: 41 of 1,613,432 alleles (0.0025%); highest among the groups gnomAD compares: East Asian, 0.016%; no homozygotes.

Submission:

Labcorp Genetics (formerly Invitae), Labcorp
Classification: Uncertain significance. Last evaluated: 2025-09-13. Review status: criteria provided, single submitter. Criteria: Invitae Variant Classification Sherloc (09022015). Collection method: clinical testing. Allele origin: germline.
Comment: This sequence change replaces arginine, which is basic and polar, with tryptophan, which is neutral and slightly polar, at codon 1066 of the CELSR2 protein (p.Arg1066Trp). This variant is present in population databases (rs566212338, gnomAD 0.01%). This variant has not been reported in the literature in individuals affected with CELSR2-related conditions. ClinVar contains an entry for this variant (Variation ID: 3014978). Invitae Evidence Modeling of protein sequence and biophysical properties (such as structural, functional, and spatial information, amino acid conservation, physicochemical variation, residue mobility, and thermodynamic stability) indicates that this missense variant is not expected to disrupt CELSR2 protein function with a negative predictive value of 80%. In summary, the available evidence is currently insufficient to determine the role of this variant in disease. Therefore, it has been classified as a Variant of Uncertain Significance.